The following is an entry in ClinVar:

ClinVar aggregate classification (germline): Uncertain significance. Review status: criteria provided, multiple submitters, no conflicts (2 of 4 stars). 2 submissions from 2 submitters: Uncertain significance (2). Last evaluated 2023-12-18.

Conditions:
Hereditary cancer-predisposing syndrome. Also called: Hereditary Cancer Syndrome; Tumor predisposition; Hereditary neoplastic syndrome; Neoplastic Syndromes, Hereditary. Identifiers: Orphanet 140162, MedGen C0027672, MeSH D009386, MONDO:0015356.

Allele frequency attached by ClinVar (database versions not stated): gnomAD exomes below 0.00001; TOPMed below 0.00001.
gnomAD v4.1: 2 of 1,613,934 alleles (0.00012%); highest among the groups gnomAD compares: Non-Finnish European, 0.000085%; no homozygotes.

Submissions (2):

Ambry Genetics
Classification: Uncertain significance for Hereditary cancer-predisposing syndrome. Last evaluated: 2023-12-18. Review status: criteria provided, single submitter. Criteria: Ambry Variant Classification Scheme 2023. Collection method: clinical testing. Allele origin: germline.
Comment: The p.I768V variant (also known as c.2302A>G), located in coding exon 14 of the RAD50 gene, results from an A to G substitution at nucleotide position 2302. The isoleucine at codon 768 is replaced by valine, an amino acid with highly similar properties. This amino acid position is not well conserved in available vertebrate species. In addition, this alteration is predicted to be tolerated by in silico analysis. Since supporting evidence is limited at this time, the clinical significance of this alteration remains unclear.

Labcorp Genetics (formerly Invitae), Labcorp
Classification: Uncertain significance for Hereditary cancer-predisposing syndrome. Last evaluated: 2023-09-08. Review status: criteria provided, single submitter. Criteria: Invitae Variant Classification Sherloc (09022015). Collection method: clinical testing. Allele origin: germline.
Comment: In summary, the available evidence is currently insufficient to determine the role of this variant in disease. Therefore, it has been classified as a Variant of Uncertain Significance. Advanced modeling of protein sequence and biophysical properties (such as structural, functional, and spatial information, amino acid conservation, physicochemical variation, residue mobility, and thermodynamic stability) performed at Invitae indicates that this missense variant is not expected to disrupt RAD50 protein function. ClinVar contains an entry for this variant (Variation ID: 1057734). This variant has not been reported in the literature in individuals affected with RAD50-related conditions. This variant is not present in population databases (gnomAD no frequency). This sequence change replaces isoleucine, which is neutral and non-polar, with valine, which is neutral and non-polar, at codon 768 of the RAD50 protein (p.Ile768Val).

NM_005732.4(RAD50):c.2302A>G (p.Ile768Val)

Gene: RAD50 (RAD50 double strand break repair protein; plus strand). Cytogenetic location: 5q31.1.
Variant type: single nucleotide variant.
Coding change: c.2302A>G on transcript NM_005732.4 (MANE Select); coding-DNA position 2302, A replaced by G.
Protein change: p.Ile768Val; replaces isoleucine 768 with valine.
Molecular consequence: missense variant.
Genome position (GRCh38, 1-based): chr5:132,603,394, A>G. VCF-style: chr5-132603394-A-G. GRCh37 (hg19) VCF-style: chr5-131939086-A-G.
Other names: short protein forms I768V.
Identifiers: ClinVar variation 1057734 (VCV001057734.11), dbSNP rs1750922766, ClinGen allele CA360954465.